The following is an entry in ClinVar:

ClinVar aggregate classification (germline): Uncertain significance (1 of 4 stars; one submission).

Conditions:
Gorlin syndrome. Also called: Nevoid Basal Cell Carcinoma Syndrome; Basal cell nevus syndrome. Identifiers: Orphanet 377, MedGen C0004779, MONDO:0007187.

Submission:

Labcorp Genetics (formerly Invitae), Labcorp
Classification: Uncertain significance for Gorlin syndrome. Last evaluated: 2025-04-13. Review status: criteria provided, single submitter. Criteria: Invitae Variant Classification Sherloc (09022015). Collection method: clinical testing. Allele origin: germline.
Comment: This sequence change replaces leucine, which is neutral and non-polar, with proline, which is neutral and non-polar, at codon 712 of the PTCH1 protein (p.Leu712Pro). This variant is not present in population databases (gnomAD no frequency). This variant has not been reported in the literature in individuals affected with PTCH1-related conditions. Invitae Evidence Modeling of protein sequence and biophysical properties (such as structural, functional, and spatial information, amino acid conservation, physicochemical variation, residue mobility, and thermodynamic stability) has been performed for this missense variant. However, the output from this modeling did not meet the statistical confidence thresholds required to predict the impact of this variant on PTCH1 protein function. In summary, the available evidence is currently insufficient to determine the role of this variant in disease. Therefore, it has been classified as a Variant of Uncertain Significance.

NM_000264.5(PTCH1):c.2135T>C (p.Leu712Pro)

Genes: PTCH1 (patched 1; minus strand), LOC100507346 (uncharacterized LOC100507346; plus strand). Cytogenetic location: 9q22.32.
Variant type: single nucleotide variant.
Coding change: c.2135T>C on transcript NM_000264.5 (MANE Select); coding-DNA position 2135, T replaced by C.
Protein change: p.Leu712Pro; replaces leucine 712 with proline.
Molecular consequence: missense variant. On other transcripts: non-coding transcript variant (2).
Genome position (GRCh38, 1-based): chr9:95,468,866, A>G on the plus strand (T>C on the coding strand, the complement: PTCH1 is on the minus strand). VCF-style: chr9-95468866-A-G. GRCh37 (hg19) VCF-style: chr9-98231148-A-G.
Other names: c.1937T>C, p.Leu646Pro (NM_001083602.3); c.2132T>C, p.Leu711Pro (NM_001083603.3); c.1682T>C, p.Leu561Pro (NM_001083604.3, NM_001083605.3, NM_001083606.3 and 1 more transcripts); c.1979T>C, p.Leu660Pro (NM_001354918.2); short protein forms L646P, L561P, L711P, L660P, L712P.
Identifiers: ClinVar variation 4707197 (VCV004707197.1).